The following is an entry in ClinVar:

ClinVar aggregate classification (germline): Conflicting classifications of pathogenicity. Review status: criteria provided, conflicting classifications (1 of 4 stars). 12 submissions from 12 submitters: Uncertain significance (2); Benign (1); Likely benign (6). 3 of the submissions do not count toward it. Last evaluated 2026-02-02.

Conditions:
Inborn genetic diseases. Identifiers: MedGen C0950123, MeSH D030342.
Cohen syndrome (COH1). Also called: Cutis verticis gyrata, retinitis pigmentosa, and sensorineural deafness; PEPPER SYNDROME. Identifiers: Orphanet 193, MedGen C0265223, MONDO:0008999, OMIM 216550.

Allele frequency attached by ClinVar (database versions not stated): gnomAD 0.00032; ExAC 0.00038; ESP Exome Variant Server 0.00046; TOPMed 0.00048; gnomAD exomes 0.00054.
gnomAD v4.1: 564 of 1,614,026 alleles (0.035%); highest among the groups gnomAD compares: Middle Eastern, 0.066%; 1 homozygote.

Submissions (12):

Labcorp Genetics (formerly Invitae), Labcorp
Classification: Likely benign for Cohen syndrome. Last evaluated: 2026-02-02. Review status: criteria provided, single submitter. Criteria: Invitae Variant Classification Sherloc (09022015). Collection method: clinical testing. Allele origin: germline.

Mayo Clinic Laboratories, Mayo Clinic
Classification: Likely benign. Last evaluated: 2025-10-08. Review status: criteria provided, single submitter. Criteria: ACMG Guidelines, 2015. Collection method: clinical testing. Allele origin: germline. Observed: 1 variant allele.
Comment: BP4, BP7

Athena Diagnostics
Classification: Benign. Last evaluated: 2025-02-26. Review status: criteria provided, single submitter. Criteria: Athena Diagnostics Criteria. Collection method: clinical testing. Allele origin: unknown.
Comment: The frequency of this variant in the general population is higher than would generally be expected for pathogenic variants in this gene. Computational tools yielded predictions that this variant is unlikely to have an effect on normal RNA splicing. This nucleotide position exhibits low evolutionary conservation.

Blueprint Genetics
Classification: Likely benign. Last evaluated: 2024-11-22. Review status: criteria provided, single submitter. Criteria: ACMG Guidelines, 2015. Collection method: clinical testing. Allele origin: germline.

CeGaT Center for Human Genetics Tuebingen
Classification: Likely benign. Last evaluated: 2024-02-01. Review status: criteria provided, single submitter. Criteria: CeGaT Center For Human Genetics Tuebingen Variant Classification Criteria Version 2. Collection method: clinical testing. Allele origin: germline. Affected: yes. Observed: 3 variant alleles.
Comment: VPS13B: BP4, BP7

GeneDx
Classification: Likely benign. Last evaluated: 2019-02-21. Review status: criteria provided, single submitter. Criteria: GeneDx Variant Classification Process June 2021. Collection method: clinical testing. Allele origin: germline. Affected: yes.

Illumina Laboratory Services, Illumina
Classification: Uncertain significance for Cohen syndrome. Last evaluated: 2018-01-12. Review status: criteria provided, single submitter. Criteria: ICSL Variant Classification Criteria 13 December 2019. Collection method: clinical testing. Allele origin: germline.

Ambry Genetics
Classification: Likely benign for Inborn genetic diseases. Last evaluated: 2017-04-14. Review status: criteria provided, single submitter. Criteria: Ambry Variant Classification Scheme 2023. Collection method: clinical testing. Allele origin: germline.

Eurofins Ntd Llc (ga)
Classification: Uncertain significance. Last evaluated: 2014-08-15. Review status: criteria provided, single submitter. Criteria: EGL Classification Definitions 2015. Collection method: clinical testing. Allele origin: germline. Observed: 1 variant allele, 1 heterozygote.

Natera, Inc.
Classification: Likely benign for Cohen syndrome. Last evaluated: 2020-04-15. Review status: no assertion criteria provided. Collection method: clinical testing. Allele origin: germline. Not counted in ClinVar's aggregate classification.

Clinical Genetics DNA and cytogenetics Diagnostics Lab, Erasmus MC, Erasmus Medical Center
Classification: Likely benign. Review status: no assertion criteria provided. Collection method: clinical testing. Allele origin: germline. Affected: yes. Study: VKGL Data-share Consensus. Not counted in ClinVar's aggregate classification.

Clinical Genetics, Academic Medical Center
Classification: Likely benign. Review status: no assertion criteria provided. Collection method: clinical testing. Allele origin: germline. Affected: yes. Study: VKGL Data-share Consensus. Not counted in ClinVar's aggregate classification.

NM_152564.5(VPS13B):c.1041A>G (p.Ser347=)

Gene: VPS13B (vacuolar protein sorting 13 homolog B; plus strand). Cytogenetic location: 8q22.2.
Variant type: single nucleotide variant.
Coding change: c.1041A>G on transcript NM_152564.5 (MANE Select); coding-DNA position 1041, A replaced by G.
Protein change: p.Ser347=; no amino-acid change (serine 347 retained).
Molecular consequence: synonymous variant. On other transcripts: non-coding transcript variant (1).
Genome position (GRCh38, 1-based): chr8:99,121,280, A>G. VCF-style: chr8-99121280-A-G. GRCh37 (hg19) VCF-style: chr8-100133508-A-G.
Other names: p.Ser347=; c.1041A>G, p.Ser347= (NM_015243.3, NM_017890.5, NM_181661.3).
Identifiers: ClinVar variation 198887 (VCV000198887.55), dbSNP rs149176010, ClinGen allele CA247771.